The following is an entry in ClinVar:

NM_000782.5(CYP24A1):c.470G>A (p.Arg157Gln)

Gene: CYP24A1 (cytochrome P450 family 24 subfamily A member 1; minus strand). Cytogenetic location: 20q13.2.
Variant type: single nucleotide variant.
Coding change: c.470G>A on transcript NM_000782.5 (MANE Select); coding-DNA position 470, G replaced by A.
Protein change: p.Arg157Gln; replaces arginine 157 with glutamine.
Molecular consequence: missense variant.
Genome position (GRCh38, 1-based): chr20:54,171,650, C>T on the plus strand (G>A on the coding strand, the complement: CYP24A1 is on the minus strand). VCF-style: chr20-54171650-C-T. GRCh37 (hg19) VCF-style: chr20-52788189-C-T.
Other names: p.Arg157Gln; c.470G>A, p.Arg157Gln (NM_001128915.2); short protein forms R157Q.
Identifiers: ClinVar variation 634948 (VCV000634948.58), dbSNP rs35051736, ClinGen allele CA9916140.

ClinVar aggregate classification (germline): Conflicting classifications of pathogenicity. Review status: criteria provided, conflicting classifications (1 of 4 stars). 8 submissions from 8 submitters: Uncertain significance (2); Likely benign (5). 1 of the submissions does not count toward it. Last evaluated 2025-12-30.

Conditions:
Hypercalcemia, infantile, 1 (HCINF1). Identifiers: Orphanet 300547, MedGen CN031131, MONDO:0020739, OMIM 143880.
CYP24A1-related disorder. Also called: CYP24A1-related condition.

Allele frequency attached by ClinVar (database versions not stated): ESP Exome Variant Server 0.00507; 1000 Genomes Project 0.00120; 1000 Genomes Project 30x 0.00125; ExAC 0.00251; TOPMed 0.00352; gnomAD 0.00375 and 0.00377.

Submissions (9):

Labcorp Genetics (formerly Invitae), Labcorp
Classification: Likely benign. Last evaluated: 2025-12-30. Review status: criteria provided, single submitter. Criteria: Invitae Variant Classification Sherloc (09022015). Collection method: clinical testing. Allele origin: germline.

Rare Kidney Stone Consortium and the Mayo Clinic Hyperoxaluria Center, Mayo Clinic
Classification: Uncertain significance for Hypercalcemia, infantile, 1. Last evaluated: 2025-10-03. Review status: criteria provided, single submitter. Criteria: ACMG Guidelines, 2015. Collection method: research. Allele origin: germline. Observed: 3 variant alleles.

Mayo Clinic Laboratories, Mayo Clinic
Classification: Likely benign. Last evaluated: 2025-08-25. Review status: criteria provided, single submitter. Criteria: ACMG Guidelines, 2015. Collection method: clinical testing. Allele origin: germline. Observed: 2 variant alleles.
Comment: BS1, BS2, BP4

CeGaT Center for Human Genetics Tuebingen
Classification: Likely benign. Last evaluated: 2024-08-01. Review status: criteria provided, single submitter. Criteria: CeGaT Center For Human Genetics Tuebingen Variant Classification Criteria Version 2. Collection method: clinical testing. Allele origin: germline. Affected: yes. Observed: 2 variant alleles.
Comment: CYP24A1: PM5, BP4, BS2

GeneDx
Classification: Likely benign. Last evaluated: 2020-01-27. Review status: criteria provided, single submitter. Criteria: GeneDx Variant Classification Process June 2021. Collection method: clinical testing. Allele origin: germline. Affected: yes.
Comment: See Variant Classification Assertion Criteria.

Illumina Laboratory Services, Illumina
Classification: Likely benign for Hypercalcemia, infantile, 1. Last evaluated: 2017-04-27. Review status: criteria provided, single submitter. Criteria: ICSL Variant Classification Criteria 13 December 2019. Collection method: clinical testing. Allele origin: germline.
Comment: This variant was observed as part of a predisposition screen in an ostensibly healthy population. A literature search was performed for the gene, cDNA change, and amino acid change (where applicable). Publications were found based on this search. The evidence from the literature, in combination with allele frequency data from public databases where available, was sufficient to determine this variant is unlikely to cause disease. Therefore, this variant is classified as likely benign.

Molecular Diagnostics Lab, Nemours Children's Health, Delaware
Classification: Uncertain significance. Last evaluated: 2017-01-10. Review status: criteria provided, single submitter. Criteria: ACMG Guidelines, 2015. Collection method: clinical testing. Allele origin: unknown. Affected: yes. Observed: 1 variant allele.

PreventionGenetics, part of Exact Sciences
Classification: Likely benign for CYP24A1-related condition. Last evaluated: 2020-03-03. Review status: no assertion criteria provided. Collection method: clinical testing. Allele origin: germline. Not counted in ClinVar's aggregate classification.
Comment: This variant is classified as likely benign based on ACMG/AMP sequence variant interpretation guidelines (Richards et al. 2015 PMID: 25741868, with internal and published modifications).

Dr. Peter K. Rogan Lab, Western University
No classification provided (evidence only). Condition: Ovarian serous cystadenocarcinoma. Review status: no classification provided. Collection method: in vitro. Allele origin: not applicable. Functional consequence: retained intron. Not counted in ClinVar's aggregate classification.

Literature cited by the submitters: PubMed 40794449 (cited by Rare Kidney Stone Consortium and the Mayo Clinic Hyperoxaluria Center, Mayo Clinic); PubMed 22100522 (cited by Mayo Clinic Laboratories, Mayo Clinic and Illumina Laboratory Services, Illumina); PubMed 26214117 (cited by Mayo Clinic Laboratories, Mayo Clinic and Illumina Laboratory Services, Illumina); PubMed 34307984 (cited by Mayo Clinic Laboratories, Mayo Clinic); PubMed 34805638 (cited by Mayo Clinic Laboratories, Mayo Clinic); PubMed 23423976 (cited by Illumina Laboratory Services, Illumina).